The following is an entry in ClinVar:

ClinVar aggregate classification (germline): Uncertain significance (1 of 4 stars; one submission).

Conditions:
Hereditary cancer-predisposing syndrome. Also called: Hereditary Cancer Syndrome; Hereditary neoplastic syndrome; Neoplastic Syndromes, Hereditary; Tumor predisposition. Identifiers: Orphanet 140162, MedGen C0027672, MeSH D009386, MONDO:0015356.

Submission:

Ambry Genetics
Classification: Uncertain significance for Hereditary cancer-predisposing syndrome. Last evaluated: 2022-05-23. Review status: criteria provided, single submitter. Criteria: Ambry Variant Classification Scheme 2023. Collection method: clinical testing. Allele origin: germline.
Comment: The c.4715_4718delCCTGins10 variant (also known as p.A1572_C1573delinsGKDS), located in coding exon 10 of the BRCA2 gene, results from an in-frame deletion of CCTG and insertion of GCAAAGATTC at nucleotide positions 4715 to 4718. This results in the substitution of alanine and cysteine residues for glycine, lysine, aspartic acid and serine residues at codons 1572 and 1573. This amino acid region is poorly conserved in available vertebrate species. In addition, this alteration is predicted to be deleterious by in silico analysis (Choi Y et al. PLoS ONE. 2012; 7(10):e46688). Since supporting evidence is limited at this time, the clinical significance of this alteration remains unclear.

NM_000059.4(BRCA2):c.4715_4718delinsGCAAAGATTC (p.Ala1572_Cys1573delinsGlyLysAspSer)

Gene: BRCA2 (BRCA2 DNA repair associated; plus strand). Cytogenetic location: 13q13.1.
Variant type: Indel.
Coding change: c.4715_4718delinsGCAAAGATTC on transcript NM_000059.4 (MANE Select); coding-DNA positions 4715 to 4718, CCTG replaced by GCAAAGATTC.
Protein change: p.Ala1572_Cys1573delinsGlyLysAspSer.
Molecular consequence: inframe indel.
Genome position (GRCh38, 1-based): chr13:32,339,070-32,339,073, CCTG replaced by GCAAAGATTC. VCF-style: chr13-32339070-CCTG-GCAAAGATTC. GRCh37 (hg19) VCF-style: chr13-32913207-CCTG-GCAAAGATTC.
Other names: c.4715_4718delCCTGinsGCAAAGATTC, p.Ala1572_Cys1573delinsGlyLysAspSer (NM_001406719.1, NM_001406720.1).
Identifiers: ClinVar variation 1742609 (VCV001742609.2), dbSNP rs1555283917, ClinGen allele CA2580087304.
Genomic context (GRCh38, chr13:32,339,070, plus strand): 5'-GTACTAGTGAAATCACCAGTTTTAGCCATCAATGGGCAAAGACCCTAAAGTACAGAGAGG[CCTG>GCAAAGATTC]TAAAGACCTTGAATTAGCATGTGAGACCATTGAGATCACAGCTGCCCCAAAGTGTAAAGA-3'